The following is an entry in ClinVar:

ClinVar aggregate classification (germline): Uncertain significance (1 of 4 stars; one submission).

Conditions:
Hypertrophic cardiomyopathy. Also called: HYPERTROPHIC MYOCARDIOPATHY. Identifiers: Orphanet 217569, MedGen C0007194, MeSH D002312, MONDO:0005045, HP:0001639.

Submission:

Labcorp Genetics (formerly Invitae), Labcorp
Classification: Uncertain significance for Hypertrophic cardiomyopathy. Last evaluated: 2026-01-18. Review status: criteria provided, single submitter. Criteria: Invitae Variant Classification Sherloc (09022015). Collection method: clinical testing. Allele origin: germline.
Comment: This sequence change affects an acceptor splice site in intron 27 of the MYOM1 gene. It is expected to disrupt RNA splicing. Variants that disrupt the donor or acceptor splice site typically lead to a loss of protein function (PMID: 16199547), however the current clinical and genetic evidence is not sufficient to establish whether loss-of-function variants in MYOM1 cause disease. This variant is not present in population databases (gnomAD no frequency). This variant has not been reported in the literature in individuals affected with MYOM1-related conditions. Algorithms developed to predict the effect of sequence changes on RNA splicing suggest that this variant may disrupt the consensus splice site. In summary, the available evidence is currently insufficient to determine the role of this variant in disease. Therefore, it has been classified as a Variant of Uncertain Significance.

Literature cited by the submitters: PubMed 16199547.

NM_003803.4(MYOM1):c.4010-2A>G

Gene: MYOM1 (myomesin 1; minus strand). Cytogenetic location: 18p11.31.
Variant type: single nucleotide variant.
Coding change: c.4010-2A>G on transcript NM_003803.4 (MANE Select); the canonical splice acceptor site of the intron before coding-DNA position 4010, A replaced by G.
Molecular consequence: splice acceptor variant.
Genome position (GRCh38, 1-based): chr18:3,089,598, T>C on the plus strand (A>G on the coding strand, the complement: MYOM1 is on the minus strand). VCF-style: chr18-3089598-T-C. GRCh37 (hg19) VCF-style: chr18-3089596-T-C.
Other names: c.3722-2A>G (NM_019856.2).
Identifiers: ClinVar variation 4752641 (VCV004752641.1).